The following is an entry in ClinVar:

NM_000308.4(CTSA):c.275_278del (p.Asp92fs)

Gene: CTSA (cathepsin A; plus strand). Cytogenetic location: 20q13.12.
Variant type: Deletion.
Coding change: c.275_278del on transcript NM_000308.4 (MANE Select); coding-DNA positions 275 to 278, 4 bases deleted (ATGG; older notation c.275_278delATGG).
Protein change: p.Asp92fs; shifts the reading frame from aspartic acid 92.
Molecular consequence: frameshift variant. On other transcripts: non-coding transcript variant (1).
Genome position (GRCh38, 1-based): chr20:45,891,996-45,891,999, ATGG deleted; deleting any 4 consecutive bases within chr20:45,891,995-45,891,999 gives the same sequence; the c. name uses the placement nearest the transcript's 3' end. VCF-style (leftmost placement, unchanged base first): chr20-45891994-AGATG-A. GRCh37 (hg19) VCF-style: chr20-44520633-AGATG-A.
Other names: c.275_278del, p.Asp92fs (NM_001127695.3, NM_001167594.3); short protein forms D92fs.
Identifiers: ClinVar variation 2747132 (VCV002747132.3), dbSNP rs2515433250, ClinGen allele CA2697547404.

ClinVar aggregate classification (germline): Pathogenic (1 of 4 stars; one submission).

Conditions:
Combined deficiency of sialidase AND beta galactosidase (GSL). Also called: NEURAMINIDASE DEFICIENCY WITH BETA-GALACTOSIDASE DEFICIENCY; NEURAMINIDASE/BETA-GALACTOSIDASE EXPRESSION; PPCA DEFICIENCY; PROTECTIVE PROTEIN/CATHEPSIN A DEFICIENCY; Galactosialidosis; CATHEPSIN A DEFICIENCY. Identifiers: Orphanet 351, MedGen C0268233, MONDO:0009737, OMIM 256540.

Submission:

Labcorp Genetics (formerly Invitae), Labcorp
Classification: Pathogenic for Combined deficiency of sialidase AND beta galactosidase. Last evaluated: 2023-07-26. Review status: criteria provided, single submitter. Criteria: Invitae Variant Classification Sherloc (09022015). Collection method: clinical testing. Allele origin: germline.
Comment: For these reasons, this variant has been classified as Pathogenic. This sequence change creates a premature translational stop signal (p.Asp110Glyfs*27) in the CTSA gene. It is expected to result in an absent or disrupted protein product. Loss-of-function variants in CTSA are known to be pathogenic (PMID: 15110321, 23915561). This variant is not present in population databases (gnomAD no frequency). This variant has not been reported in the literature in individuals affected with CTSA-related conditions.

Literature cited by the submitters: PubMed 15110321; PubMed 23915561.